The following is an entry in ClinVar:

NM_003978.5(PSTPIP1):c.250A>G (p.Met84Val)

Gene: PSTPIP1 (proline-serine-threonine phosphatase interacting protein 1; plus strand). Cytogenetic location: 15q24.3.
Variant type: single nucleotide variant.
Coding change: c.250A>G on transcript NM_003978.5 (MANE Select); coding-DNA position 250, A replaced by G.
Protein change: p.Met84Val; replaces methionine 84 with valine.
Molecular consequence: missense variant. On other transcripts: non-coding transcript variant (1).
Genome position (GRCh38, 1-based): chr15:77,025,500, A>G. VCF-style: chr15-77025500-A-G. GRCh37 (hg19) VCF-style: chr15-77317841-A-G.
Other names: c.250A>G, p.Met84Val (NM_001321135.2, NM_001411086.1); c.223A>G, p.Met75Val (NM_001321136.2); c.445A>G, p.Met149Val (NM_001321137.1); short protein forms M75V, M149V, M84V.
Identifiers: ClinVar variation 4736626 (VCV004736626.1).

ClinVar aggregate classification (germline): Uncertain significance (1 of 4 stars; one submission).

Conditions:
Pyogenic arthritis-pyoderma gangrenosum-acne syndrome (PAPA). Also called: PAPA SYNDROME; FAMILIAL RECURRENT ARTHRITIS. Identifiers: Orphanet 69126, MedGen C1858361, MONDO:0011462, OMIM 604416.

Submission:

Labcorp Genetics (formerly Invitae), Labcorp
Classification: Uncertain significance for Pyogenic arthritis-pyoderma gangrenosum-acne syndrome. Last evaluated: 2026-02-04. Review status: criteria provided, single submitter. Criteria: Invitae Variant Classification Sherloc (09022015). Collection method: clinical testing. Allele origin: germline.
Comment: This sequence change replaces methionine, which is neutral and non-polar, with valine, which is neutral and non-polar, at codon 84 of the PSTPIP1 protein (p.Met84Val). This variant is not present in population databases (gnomAD no frequency). This variant has not been reported in the literature in individuals affected with PSTPIP1-related conditions. An algorithm developed to predict the effect of missense changes on protein structure and function (PolyPhen-2) suggests that this variant is likely to be tolerated. Algorithms developed to predict the effect of sequence changes on RNA splicing suggest that this variant may create or strengthen a splice site. In summary, the available evidence is currently insufficient to determine the role of this variant in disease. Therefore, it has been classified as a Variant of Uncertain Significance.